The following is an entry in ClinVar:

ClinVar aggregate classification (germline): Benign (1 of 4 stars; one submission).

Allele frequency attached by ClinVar (database versions not stated): 1000 Genomes Project 0.01997; 1000 Genomes Project 30x 0.02014; TOPMed 0.03793; gnomAD 0.04069 and 0.04186; gnomAD exomes 0.05131.
gnomAD v4.1: 46,295 of 935,372 alleles (4.9%); highest among the groups gnomAD compares: Non-Finnish European, 6.2%; 1,422 homozygotes.

Submission:

GeneDx
Classification: Benign. Last evaluated: 2018-06-19. Review status: criteria provided, single submitter. Criteria: GeneDx Variant Classification (06012015). Collection method: clinical testing. Allele origin: germline. Affected: yes.
Comment: This variant is considered likely benign or benign based on one or more of the following criteria: it is a conservative change, it occurs at a poorly conserved position in the protein, it is predicted to be benign by multiple in silico algorithms, and/or has population frequency not consistent with disease.

NM_006440.5(TXNRD2):c.449+111G>A

Gene: TXNRD2 (thioredoxin reductase 2; minus strand). Cytogenetic location: 22q11.21.
Variant type: single nucleotide variant.
Coding change: c.449+111G>A on transcript NM_006440.5 (MANE Select); 111 bases into the intron after coding-DNA position 449, G replaced by A.
Molecular consequence: intron variant.
Genome position (GRCh38, 1-based): chr22:19,918,032, C>T on the plus strand (G>A on the coding strand, the complement: TXNRD2 is on the minus strand). VCF-style: chr22-19918032-C-T. GRCh37 (hg19) VCF-style: chr22-19905555-C-T.
Other names: c.446+111G>A (NM_001352300.2); c.161+111G>A (NM_001352302.2); c.359+111G>A (NM_001352301.2); c.449+111G>A (NM_001282512.3); c.353+111G>A (NM_001352303.2).
Identifiers: ClinVar variation 678695 (VCV000678695.1), dbSNP rs77573782, ClinGen allele CA322105479.